The following is an entry in ClinVar:

NM_005896.4(IDH1):c.959A>C (p.Gln320Pro)

Gene: IDH1 (isocitrate dehydrogenase (NADP(+)) 1; minus strand). Cytogenetic location: 2q34.
Variant type: single nucleotide variant.
Coding change: c.959A>C on transcript NM_005896.4 (MANE Select); coding-DNA position 959, A replaced by C.
Protein change: p.Gln320Pro; replaces glutamine 320 with proline.
Molecular consequence: missense variant.
Genome position (GRCh38, 1-based): chr2:208,239,895, T>G on the plus strand (A>C on the coding strand, the complement: IDH1 is on the minus strand). VCF-style: chr2-208239895-T-G. GRCh37 (hg19) VCF-style: chr2-209104619-T-G.
Other names: c.959A>C, p.Gln320Pro (NM_001282386.1, NM_001282387.1); short protein forms Q320P.
Identifiers: ClinVar variation 1767492 (VCV001767492.2), dbSNP rs199915613, ClinGen allele CA350095077.

ClinVar aggregate classification (germline): Uncertain significance (1 of 4 stars; one submission).

Submission:

Ambry Genetics
Classification: Uncertain significance. Last evaluated: 2022-05-02. Review status: criteria provided, single submitter. Criteria: Ambry Variant Classification Scheme 2023. Collection method: clinical testing. Allele origin: germline.
Comment: The p.Q320P variant (also known as c.959A>C), located in coding exon 6 of the IDH1 gene, results from an A to C substitution at nucleotide position 959. The glutamine at codon 320 is replaced by proline, an amino acid with similar properties. This amino acid position is conserved. In addition, this alteration is predicted to be deleterious by in silico analysis. Since supporting evidence is limited at this time, the clinical significance of this alteration remains unclear.